The following is an entry in ClinVar:

NM_015512.5(DNAH1):c.1435_1444+3del

Gene: DNAH1 (dynein axonemal heavy chain 1; plus strand). Cytogenetic location: 3p21.1.
Variant type: Deletion.
Coding change: c.1435_1444+3del on transcript NM_015512.5 (MANE Select); coding-DNA position 1435 through 3 bases into the intron after coding-DNA position 1444, 13 bases deleted (CCTGAGCGAGGTG).
Molecular consequence: splice donor variant.
Genome position (GRCh38, 1-based): chr3:52,344,638-52,344,650, CCTGAGCGAGGTG deleted; deleting any 13 consecutive bases within chr3:52,344,633-52,344,650 gives the same sequence; the c. name uses the placement nearest the transcript's 3' end. VCF-style (leftmost placement, unchanged base first): chr3-52344632-CAGGTGCCTGAGCG-C. GRCh37 (hg19) VCF-style: chr3-52378648-CAGGTGCCTGAGCG-C.
Identifiers: ClinVar variation 3392513 (VCV003392513.2).

ClinVar aggregate classification (germline): Likely pathogenic (1 of 4 stars; one submission).

Conditions:
Spermatogenic failure 18. Identifiers: MedGen C4539783, MONDO:0054615, OMIM 617576.
Ciliary dyskinesia, primary, 37 (CILD37). Also called: CILIARY DYSKINESIA, PRIMARY, 37, WITH OR WITHOUT SITUS INVERSUS. Identifiers: MedGen C4539798, MONDO:0033204, OMIM 617577.

Submission:

Juno Genomics, Hangzhou Juno Genomics, Inc
Classification: Likely pathogenic for Ciliary dyskinesia, primary, 37; Spermatogenic failure 18. Review status: criteria provided, single submitter. Criteria: ACMG Guidelines, 2015. Collection method: clinical testing. Allele origin: germline. Affected: yes.
Comment: Absent from controls (or at extremely low frequency if recessive) in Genome Aggregation Database, Exome Sequencing Project, 1000 Genomes Project, or Exome Aggregation Consortium.;Null variant in a gene where loss of function (LOF) is a known mechanism of disease.